The following is an entry in ClinVar:

NM_006206.6(PDGFRA):c.1543_1548del (p.Lys515_Leu516del)

Gene: PDGFRA (platelet derived growth factor receptor alpha; plus strand). Cytogenetic location: 4q12.
Variant type: Deletion.
Coding change: c.1543_1548del on transcript NM_006206.6 (MANE Select); coding-DNA positions 1543 to 1548, 6 bases deleted (AAGCTG; older notation c.1543_1548delAAGCTG).
Protein change: p.Lys515_Leu516del.
Genome position (GRCh38, 1-based): chr4:54,273,715-54,273,720, AAGCTG deleted; deleting any 6 consecutive bases within chr4:54,273,710-54,273,720 gives the same sequence; the c. name uses the placement nearest the transcript's 3' end. VCF-style (leftmost placement, unchanged base first): chr4-54273709-GAGCTGA-G. GRCh37 (hg19) VCF-style: chr4-55139876-GAGCTGA-G.
Other names: c.1543_1548del, p.Lys515_Leu516del (NM_001347827.2, NM_001347829.2); c.1618_1623del, p.Lys540_Leu541del (NM_001347828.2); c.1582_1587del, p.Lys528_Leu529del (NM_001347830.2).
Identifiers: ClinVar variation 4133983 (VCV004133983.1).
Genomic context (GRCh38, chr4:54,273,709, plus strand): 5'-GTGGAGGAGACCATCGCCGTGCGATGCCTGGCTAAGAATCTCCTTGGAGCTGAGAACCGA[GAGCTGA>G]AGCTGGTGGCTCCCAGTGAGTTCCTCAACAGTCAGGACAACTCATCAGCTGAGCCGCATC-3'

ClinVar aggregate classification (germline): Uncertain significance (1 of 4 stars; one submission).

Conditions:
Hereditary cancer-predisposing syndrome. Also called: Hereditary neoplastic syndrome; Neoplastic Syndromes, Hereditary; Tumor predisposition; Hereditary Cancer Syndrome. Identifiers: Orphanet 140162, MedGen C0027672, MeSH D009386, MONDO:0015356.

Submission:

Ambry Genetics
Classification: Uncertain significance for Hereditary cancer-predisposing syndrome. Last evaluated: 2025-06-20. Review status: criteria provided, single submitter. Criteria: Ambry Variant Classification Scheme 2023. Collection method: clinical testing. Allele origin: germline.
Comment: The c.1543_1548delAAGCTG variant (also known as p.K515_L516del) is located in coding exon 9 of the PDGFRA gene. This variant results from an in-frame AAGCTG deletion at nucleotide positions 1543 to 1548. This results in the in-frame deletion of amino acids at codons 515 to 516. This amino acid region is highly conserved in available vertebrate species. In addition, this variant is predicted to be deleterious by in silico analysis (Choi Y et al. PLoS ONE. 2012; 7(10):e46688). Based on the available evidence, the clinical significance of this variant remains unclear.